The following is an entry in ClinVar:

ClinVar aggregate classification (germline): Uncertain significance (1 of 4 stars; one submission).

Submission:

GeneDx
Classification: Uncertain significance. Last evaluated: 2023-06-16. Review status: criteria provided, single submitter. Criteria: GeneDx Variant Classification Process June 2021. Collection method: clinical testing. Allele origin: germline. Affected: yes.
Comment: Not observed at significant frequency in large population cohorts (gnomAD); In silico analysis supports that this missense variant has a deleterious effect on protein structure/function; Has not been previously published as pathogenic or benign to our knowledge

NM_015466.4(PTPN23):c.2513C>G (p.Ser838Cys)

Gene: PTPN23 (protein tyrosine phosphatase non-receptor type 23; plus strand). Cytogenetic location: 3p21.31.
Variant type: single nucleotide variant.
Coding change: c.2513C>G on transcript NM_015466.4 (MANE Select); coding-DNA position 2513, C replaced by G.
Protein change: p.Ser838Cys; replaces serine 838 with cysteine.
Molecular consequence: missense variant.
Genome position (GRCh38, 1-based): chr3:47,410,311, C>G. VCF-style: chr3-47410311-C-G. GRCh37 (hg19) VCF-style: chr3-47451801-C-G.
Other names: c.2135C>G, p.Ser712Cys (NM_001304482.2); short protein forms S712C, S838C.
Identifiers: ClinVar variation 3360060 (VCV003360060.1).